The following is an entry in ClinVar:

NM_001985.3(ETFB):c.58-142G>A

Gene: ETFB (electron transfer flavoprotein subunit beta; minus strand). Cytogenetic location: 19q13.41.
Variant type: single nucleotide variant.
Coding change: c.58-142G>A on transcript NM_001985.3 (MANE Select); 142 bases into the intron before coding-DNA position 58, G replaced by A.
Molecular consequence: intron variant. On other transcripts: synonymous variant (1).
Genome position (GRCh38, 1-based): chr19:51,354,450, C>T on the plus strand (G>A on the coding strand, the complement: ETFB is on the minus strand). VCF-style: chr19-51354450-C-T. GRCh37 (hg19) VCF-style: chr19-51857704-C-T.
Other names: p.L63L:CTG>CTA; NC_000019.9:g.51857704C>T; c.189G>A, p.Leu63= (NM_001014763.1).
Identifiers: ClinVar variation 137228 (VCV000137228.3), dbSNP rs1862495, ClinGen allele CA290765.

ClinVar aggregate classification (germline): Benign. Review status: criteria provided, multiple submitters, no conflicts (2 of 4 stars). 2 submissions from 2 submitters: Benign (2). Last evaluated 2013-08-12.

Allele frequency attached by ClinVar (database versions not stated): gnomAD 0.01521 and 0.01629; TOPMed 0.01603; 1000 Genomes Project 0.01717; gnomAD exomes 0.00181 and 0.00430; ExAC 0.00469; ESP Exome Variant Server 0.01407; 1000 Genomes Project 30x 0.01968.
gnomAD v4.1: 5,081 of 1,613,972 alleles (0.31%); highest among the groups gnomAD compares: African/African-American, 4.9%; 86 homozygotes.

Submissions (25):

GeneDx
Classification: Benign. Last evaluated: 2013-08-12. Review status: criteria provided, single submitter. Criteria: GeneDx Variant Classification (06012015). Collection method: clinical testing. Allele origin: germline. Affected: yes.
Comment: This variant is considered likely benign or benign based on one or more of the following criteria: it is a conservative change, it occurs at a poorly conserved position in the protein, it is predicted to be benign by multiple in silico algorithms, and/or has population frequency not consistent with disease.

Breakthrough Genomics
Classification: Benign. Review status: criteria provided, single submitter. Criteria: ACMG Guidelines, 2015. Collection method: not provided. Allele origin: germline. Inheritance: Autosomal recessive inheritance. Affected: yes.

Dr. Peter K. Rogan Lab, Western University
No classification provided (evidence only). Condition: Clear cell carcinoma of kidney. Review status: no classification provided. Collection method: in vitro. Allele origin: not applicable. Functional consequence: retained intron. Not counted in ClinVar's aggregate classification.

Dr. Peter K. Rogan Lab, Western University
No classification provided (evidence only). Condition: Lung cancer. Review status: no classification provided. Collection method: in vitro. Allele origin: not applicable. Functional consequence: retained intron. Not counted in ClinVar's aggregate classification.

Dr. Peter K. Rogan Lab, Western University
No classification provided (evidence only). Condition: Lung cancer. Review status: no classification provided. Collection method: in vitro. Allele origin: not applicable. Functional consequence: retained intron. Not counted in ClinVar's aggregate classification.

Dr. Peter K. Rogan Lab, Western University
No classification provided (evidence only). Condition: Acute myeloid leukemia. Review status: no classification provided. Collection method: in vitro. Allele origin: not applicable. Functional consequence: retained intron. Not counted in ClinVar's aggregate classification.

Dr. Peter K. Rogan Lab, Western University
No classification provided (evidence only). Condition: Colon adenocarcinoma. Review status: no classification provided. Collection method: in vitro. Allele origin: not applicable. Functional consequence: retained intron. Not counted in ClinVar's aggregate classification.

Dr. Peter K. Rogan Lab, Western University
No classification provided (evidence only). Condition: Colon adenocarcinoma. Review status: no classification provided. Collection method: in vitro. Allele origin: not applicable. Functional consequence: retained intron. Not counted in ClinVar's aggregate classification.

Dr. Peter K. Rogan Lab, Western University
No classification provided (evidence only). Condition: Uterine corpus endometrial carcinoma. Review status: no classification provided. Collection method: in vitro. Allele origin: not applicable. Functional consequence: retained intron. Not counted in ClinVar's aggregate classification.

Dr. Peter K. Rogan Lab, Western University
No classification provided (evidence only). Condition: Uterine corpus endometrial carcinoma. Review status: no classification provided. Collection method: in vitro. Allele origin: not applicable. Functional consequence: retained intron. Not counted in ClinVar's aggregate classification.

Dr. Peter K. Rogan Lab, Western University
No classification provided (evidence only). Condition: Uterine corpus endometrial carcinoma. Review status: no classification provided. Collection method: in vitro. Allele origin: not applicable. Functional consequence: retained intron. Not counted in ClinVar's aggregate classification.

Dr. Peter K. Rogan Lab, Western University
No classification provided (evidence only). Condition: Uterine corpus endometrial carcinoma. Review status: no classification provided. Collection method: in vitro. Allele origin: not applicable. Functional consequence: retained intron. Not counted in ClinVar's aggregate classification.

Dr. Peter K. Rogan Lab, Western University
No classification provided (evidence only). Condition: Cervical cancer. Review status: no classification provided. Collection method: in vitro. Allele origin: not applicable. Functional consequence: retained intron. Not counted in ClinVar's aggregate classification.

Dr. Peter K. Rogan Lab, Western University
No classification provided (evidence only). Condition: Cervical cancer. Review status: no classification provided. Collection method: in vitro. Allele origin: not applicable. Functional consequence: retained intron. Not counted in ClinVar's aggregate classification.

Dr. Peter K. Rogan Lab, Western University
No classification provided (evidence only). Condition: Cervical cancer. Review status: no classification provided. Collection method: in vitro. Allele origin: not applicable. Functional consequence: retained intron. Not counted in ClinVar's aggregate classification.

Dr. Peter K. Rogan Lab, Western University
No classification provided (evidence only). Condition: Cervical cancer. Review status: no classification provided. Collection method: in vitro. Allele origin: not applicable. Functional consequence: retained intron. Not counted in ClinVar's aggregate classification.

Dr. Peter K. Rogan Lab, Western University
No classification provided (evidence only). Condition: Sarcoma. Review status: no classification provided. Collection method: in vitro. Allele origin: not applicable. Functional consequence: retained intron. Not counted in ClinVar's aggregate classification.

Dr. Peter K. Rogan Lab, Western University
No classification provided (evidence only). Condition: Hepatocellular carcinoma. Review status: no classification provided. Collection method: in vitro. Allele origin: not applicable. Functional consequence: retained intron. Not counted in ClinVar's aggregate classification.

Dr. Peter K. Rogan Lab, Western University
No classification provided (evidence only). Condition: Ovarian serous cystadenocarcinoma. Review status: no classification provided. Collection method: in vitro. Allele origin: not applicable. Functional consequence: retained intron. Not counted in ClinVar's aggregate classification.

Dr. Peter K. Rogan Lab, Western University
No classification provided (evidence only). Condition: Ovarian serous cystadenocarcinoma. Review status: no classification provided. Collection method: in vitro. Allele origin: not applicable. Functional consequence: retained intron. Not counted in ClinVar's aggregate classification.

Dr. Peter K. Rogan Lab, Western University
No classification provided (evidence only). Condition: Ovarian serous cystadenocarcinoma. Review status: no classification provided. Collection method: in vitro. Allele origin: not applicable. Functional consequence: retained intron. Not counted in ClinVar's aggregate classification.

Dr. Peter K. Rogan Lab, Western University
No classification provided (evidence only). Condition: Gastric cancer. Review status: no classification provided. Collection method: in vitro. Allele origin: not applicable. Functional consequence: retained intron. Not counted in ClinVar's aggregate classification.

Dr. Peter K. Rogan Lab, Western University
No classification provided (evidence only). Condition: Gastric cancer. Review status: no classification provided. Collection method: in vitro. Allele origin: not applicable. Functional consequence: retained intron. Not counted in ClinVar's aggregate classification.

Dr. Peter K. Rogan Lab, Western University
No classification provided (evidence only). Condition: Uterine carcinosarcoma. Review status: no classification provided. Collection method: in vitro. Allele origin: not applicable. Functional consequence: retained intron. Not counted in ClinVar's aggregate classification.

Dr. Peter K. Rogan Lab, Western University
No classification provided (evidence only). Condition: Uveal melanoma. Review status: no classification provided. Collection method: in vitro. Allele origin: not applicable. Functional consequence: retained intron. Not counted in ClinVar's aggregate classification.